The following is an entry in ClinVar:

ClinVar aggregate classification (germline): Uncertain significance (1 of 4 stars; one submission).

Submission:

Labcorp Genetics (formerly Invitae), Labcorp
Classification: Uncertain significance. Last evaluated: 2022-07-06. Review status: criteria provided, single submitter. Criteria: Invitae Variant Classification Sherloc (09022015). Collection method: clinical testing. Allele origin: germline.
Comment: This variant is not present in population databases (gnomAD no frequency). This sequence change replaces serine, which is neutral and polar, with phenylalanine, which is neutral and non-polar, at codon 507 of the C7 protein (p.Ser507Phe). This variant has not been reported in the literature in individuals affected with C7-related conditions. In summary, the available evidence is currently insufficient to determine the role of this variant in disease. Therefore, it has been classified as a Variant of Uncertain Significance. Algorithms developed to predict the effect of missense changes on protein structure and function are either unavailable or do not agree on the potential impact of this missense change (SIFT: "Deleterious"; PolyPhen-2: "Probably Damaging"; Align-GVGD: "Class C15"). ClinVar contains an entry for this variant (Variation ID: 1358761).

NM_000587.4(C7):c.1520C>T (p.Ser507Phe)

Gene: C7 (complement C7; plus strand). Cytogenetic location: 5p13.1.
Variant type: single nucleotide variant.
Coding change: c.1520C>T on transcript NM_000587.4 (MANE Select); coding-DNA position 1520, C replaced by T.
Protein change: p.Ser507Phe; replaces serine 507 with phenylalanine.
Molecular consequence: missense variant.
Genome position (GRCh38, 1-based): chr5:40,959,479, C>T. VCF-style: chr5-40959479-C-T. GRCh37 (hg19) VCF-style: chr5-40959581-C-T.
Other names: short protein forms S507F.
Identifiers: ClinVar variation 1358761 (VCV001358761.8), dbSNP rs2111667974, ClinGen allele CA359587751.